The following is an entry in ClinVar:

ClinVar aggregate classification (germline): Likely pathogenic (1 of 4 stars; one submission).

Conditions:
Niemann-Pick disease, type C1. Also called: NEUROVISCERAL STORAGE DISEASE WITH VERTICAL SUPRANUCLEAR OPHTHALMOPLEGIA; NIEMANN-PICK DISEASE WITH CHOLESTEROL ESTERIFICATION BLOCK; NIEMANN-PICK DISEASE WITHOUT SPHINGOMYELINASE DEFICIENCY; NIEMANN-PICK DISEASE, CHRONIC NEURONOPATHIC FORM; NIEMANN-PICK DISEASE, VARIANT TYPE C1. Identifiers: Orphanet 646, MedGen C3179455, MONDO:0009757, OMIM 257220.

Submission:

Myriad Genetics, Inc.
Classification: Likely pathogenic for Niemann-Pick disease, type C1. Last evaluated: 2022-05-18. Review status: criteria provided, single submitter. Criteria: Myriad Women's Health Autosomal Recessive and X-Linked Classification Criteria (2021). Collection method: clinical testing. Allele origin: unknown.
Comment: NM_000271.4(NPC1):c.718_719delTG(C240Pfs*67) is expected to be pathogenic in the context of Niemann-Pick disease type C1. This variant is predicted to lead to an abnormal or absent protein product due to the creation of a premature termination codon in NPC1, a gene where loss-of-function variants are known to be pathogenic. Please note: this variant was assessed in the context of healthy population screening.

NM_000271.5(NPC1):c.718_719del (p.Cys240fs)

Gene: NPC1 (NPC intracellular cholesterol transporter 1; minus strand). Cytogenetic location: 18q11.2.
Variant type: Deletion.
Coding change: c.718_719del on transcript NM_000271.5 (MANE Select); coding-DNA positions 718 to 719, 2 bases deleted (TG; older notation c.718_719delTG).
Protein change: p.Cys240fs; shifts the reading frame from cysteine 240.
Molecular consequence: frameshift variant.
Genome position (GRCh38, 1-based): chr18:23,560,393-23,560,394, CA deleted on the plus strand (TG on the coding strand, the reverse complement: NPC1 is on the minus strand). VCF-style (leftmost placement, unchanged base first): chr18-23560392-GCA-G. GRCh37 (hg19) VCF-style: chr18-21140356-GCA-G.
Other names: short protein forms C240fs.
Identifiers: ClinVar variation 1726112 (VCV001726112.2), dbSNP rs2511303175, ClinGen allele CA2580095628.